The following is an entry in ClinVar:

NM_000085.5(CLCNKB):c.491_492delinsAC (p.Gly164Asp)

Genes: CLCNKB (chloride voltage-gated channel Kb; plus strand), LOC106501713 (CLCNKB recombination region; plus strand). Cytogenetic location: 1p36.13.
Variant type: Indel.
Coding change: c.491_492delinsAC on transcript NM_000085.5 (MANE Select); coding-DNA positions 491 to 492, GG replaced by AC.
Protein change: p.Gly164Asp; replaces glycine 164 with aspartic acid.
Molecular consequence: missense variant.
Genome position (GRCh38, 1-based): chr1:16,048,037-16,048,038, GG replaced by AC. VCF-style: chr1-16048037-GG-AC. GRCh37 (hg19) VCF-style: chr1-16374532-GG-AC.
Other names: short protein forms G164D.
Identifiers: ClinVar variation 1940721 (VCV001940721.5), dbSNP rs2524375904, ClinGen allele CA2580060597.
Genomic context (GRCh38, chr1:16,048,037, plus strand): 5'-TTGGGGCCAAAGTGGTGGGCCTCTCCTGCACCCTGGCCTGTGGCAGCACCCTCTTCCTCG[GG>AC]AAAGTGGTATGGGCAGGGGTGAGGGCATCCCAACCACCCTACCCACCCCAGCCACCCCAG-3'
Protein context (NP_000076.2, residues 154-174): TLACGSTLFL[Gly164Asp]KVGPFVHLSV

ClinVar aggregate classification (germline): Uncertain significance (1 of 4 stars; one submission).

Submission:

Labcorp Genetics (formerly Invitae), Labcorp
Classification: Uncertain significance. Last evaluated: 2022-05-27. Review status: criteria provided, single submitter. Criteria: Invitae Variant Classification Sherloc (09022015). Collection method: clinical testing. Allele origin: germline.
Comment: Information on the frequency of this variant in the gnomAD database is not available, as this variant may be reported differently in the database. In summary, the available evidence is currently insufficient to determine the role of this variant in disease. Therefore, it has been classified as a Variant of Uncertain Significance. Algorithms developed to predict the effect of missense changes on protein structure and function are either unavailable or do not agree on the potential impact of this missense change (SIFT: "Not Available"; PolyPhen-2: "Probably Damaging"; Align-GVGD: "Not Available"). This missense change has been observed in individual(s) with clinical features of Bartter syndrome (Invitae). This sequence change replaces glycine, which is neutral and non-polar, with aspartic acid, which is acidic and polar, at codon 164 of the CLCNKB protein (p.Gly164Asp).